The following is an entry in ClinVar:

ClinVar aggregate classification (germline): Uncertain significance. Review status: criteria provided, multiple submitters, no conflicts (2 of 4 stars). 3 submissions from 3 submitters: Uncertain significance (3). Last evaluated 2025-12-02.

Conditions:
Polyglandular autoimmune syndrome, type 1 (APS1). Also called: AUTOIMMUNE POLYENDOCRINE SYNDROME, TYPE I, WITH OR WITHOUT REVERSIBLE METAPHYSEAL DYSPLASIA; PGA I; Whitaker syndrome; Autoimmune polyendocrine syndrome type 1; APS I; HYPOADRENOCORTICISM WITH HYPOPARATHYROIDISM AND SUPERFICIAL MONILIASIS. Identifiers: Orphanet 3453, MedGen C0085859, MONDO:0009411, OMIM 240300.
Inborn genetic diseases. Identifiers: MedGen C0950123, MeSH D030342.

gnomAD v4.1: 76 of 1,612,522 alleles (0.0047%); highest among the groups gnomAD compares: Non-Finnish European, 0.0059%; no homozygotes.

Submissions (3):

Labcorp Genetics (formerly Invitae), Labcorp
Classification: Uncertain significance for Polyglandular autoimmune syndrome, type 1. Last evaluated: 2025-12-02. Review status: criteria provided, single submitter. Criteria: Invitae Variant Classification Sherloc (09022015). Collection method: clinical testing. Allele origin: germline.
Comment: This sequence change replaces glutamine, which is neutral and polar, with lysine, which is basic and polar, at codon 225 of the AIRE protein (p.Gln225Lys). This variant is present in population databases (rs765862563, gnomAD 0.01%). This variant has not been reported in the literature in individuals affected with AIRE-related conditions. ClinVar contains an entry for this variant (Variation ID: 3730652). Invitae Evidence Modeling of protein sequence and biophysical properties (such as structural, functional, and spatial information, amino acid conservation, physicochemical variation, residue mobility, and thermodynamic stability) indicates that this missense variant is not expected to disrupt AIRE protein function with a negative predictive value of 95%. In summary, the available evidence is currently insufficient to determine the role of this variant in disease. Therefore, it has been classified as a Variant of Uncertain Significance.

Ambry Genetics
Classification: Uncertain significance for Inborn genetic diseases. Last evaluated: 2025-11-20. Review status: criteria provided, single submitter. Criteria: Ambry Variant Classification Scheme 2023. Collection method: clinical testing. Allele origin: germline.

Blueprint Genetics
Classification: Uncertain significance. Last evaluated: 2017-08-09. Review status: criteria provided, single submitter. Criteria: ACMG Guidelines, 2015. Collection method: clinical testing. Allele origin: germline.

NM_000383.4(AIRE):c.673C>A (p.Gln225Lys)

Gene: AIRE (autoimmune regulator; plus strand). Cytogenetic location: 21q22.3.
Variant type: single nucleotide variant.
Coding change: c.673C>A on transcript NM_000383.4 (MANE Select); coding-DNA position 673, C replaced by A.
Protein change: p.Gln225Lys; replaces glutamine 225 with lysine.
Molecular consequence: missense variant.
Genome position (GRCh38, 1-based): chr21:44,289,677, C>A. VCF-style: chr21-44289677-C-A. GRCh37 (hg19) VCF-style: chr21-45709560-C-A.
Other names: short protein forms Q225K.
Identifiers: ClinVar variation 3730652 (VCV003730652.4).